The following is an entry in ClinVar:

NM_001377458.1(CLCC1):c.797-5A>G

Gene: CLCC1 (chloride channel CLIC like 1; minus strand). Cytogenetic location: 1p13.3.
Variant type: single nucleotide variant.
Coding change: c.797-5A>G on transcript NM_001377458.1 (MANE Select); 5 bases into the intron before coding-DNA position 797, A replaced by G.
Molecular consequence: intron variant.
Genome position (GRCh38, 1-based): chr1:108,940,147, T>C on the plus strand (A>G on the coding strand, the complement: CLCC1 is on the minus strand). VCF-style: chr1-108940147-T-C. GRCh37 (hg19) VCF-style: chr1-109482769-T-C.
Other names: c.797-5A>G (NM_001377464.1, NM_001377462.1, NM_001377467.1 and 8 more transcripts); c.695-5A>G (NM_001377469.1); c.647-5A>G (NM_015127.5); c.506-5A>G (NM_001377470.1); c.434-5A>G (NM_001278202.2); c.340-365A>G (NM_001278203.1).
Identifiers: ClinVar variation 1362471 (VCV001362471.5), dbSNP rs749612033, ClinGen allele CA983500.

ClinVar aggregate classification (germline): Uncertain significance (1 of 4 stars; one submission).

Allele frequency attached by ClinVar (database versions not stated): ExAC 0.00002; gnomAD 0.00002; gnomAD exomes 0.00002 and 0.00007; TOPMed 0.00002.
gnomAD v4.1: 100 of 1,554,878 alleles (0.0064%); highest among the groups gnomAD compares: Non-Finnish European, 0.0086%; no homozygotes.

Submission:

Labcorp Genetics (formerly Invitae), Labcorp
Classification: Uncertain significance. Last evaluated: 2021-08-31. Review status: criteria provided, single submitter. Criteria: Invitae Variant Classification Sherloc (09022015). Collection method: clinical testing. Allele origin: germline.
Comment: This sequence change falls in intron 7 of the CLCC1 gene. It does not directly change the encoded amino acid sequence of the CLCC1 protein. This variant is present in population databases (rs749612033, ExAC 0.003%). This variant has not been reported in the literature in individuals affected with CLCC1-related conditions. Algorithms developed to predict the effect of sequence changes on RNA splicing suggest that this variant may disrupt the consensus splice site. In summary, the available evidence is currently insufficient to determine the role of this variant in disease. Therefore, it has been classified as a Variant of Uncertain Significance.